The following is an entry in ClinVar:

NM_001347721.2(DYRK1A):c.1810C>G (p.His604Asp)

Gene: DYRK1A (dual specificity tyrosine phosphorylation regulated kinase 1A; plus strand). Cytogenetic location: 21q22.13.
Variant type: single nucleotide variant.
Coding change: c.1810C>G on transcript NM_001347721.2 (MANE Select); coding-DNA position 1810, C replaced by G.
Protein change: p.His604Asp; replaces histidine 604 with aspartic acid.
Molecular consequence: missense variant. On other transcripts: 3 prime UTR variant (2).
Genome position (GRCh38, 1-based): chr21:37,512,076, C>G. VCF-style: chr21-37512076-C-G. GRCh37 (hg19) VCF-style: chr21-38884379-C-G.
Other names: c.1810C>G, p.His604Asp (NM_001347722.2, NM_130436.2); c.1723C>G, p.His575Asp (NM_001347723.2); c.1837C>G, p.His613Asp (NM_001396.5); c.*213C>G (NM_101395.2); c.*122C>G (NM_130438.2); short protein forms H575D, H604D, H613D.
Identifiers: ClinVar variation 1695870 (VCV001695870.2), dbSNP rs2148662413, ClinGen allele CA409939632.

ClinVar aggregate classification (germline): Uncertain significance (1 of 4 stars; one submission).

Submission:

GeneDx
Classification: Uncertain significance. Last evaluated: 2022-01-07. Review status: criteria provided, single submitter. Criteria: GeneDx Variant Classification Process June 2021. Collection method: clinical testing. Allele origin: germline. Affected: yes.
Comment: Not observed at significant frequency in large population cohorts (gnomAD); In silico analysis supports that this missense variant does not alter protein structure/function; Has not been previously published as pathogenic or benign to our knowledge